The following is an entry in ClinVar:

NM_005199.5(CHRNG):c.681C>A (p.Gly227=)

Gene: CHRNG (cholinergic receptor nicotinic gamma subunit; plus strand). Cytogenetic location: 2q37.1.
Variant type: single nucleotide variant.
Coding change: c.681C>A on transcript NM_005199.5 (MANE Select); coding-DNA position 681, C replaced by A.
Protein change: p.Gly227=; no amino-acid change (glycine 227 retained).
Molecular consequence: synonymous variant.
Genome position (GRCh38, 1-based): chr2:232,542,958, C>A. VCF-style: chr2-232542958-C-A. GRCh37 (hg19) VCF-style: chr2-233407668-C-A.
Identifiers: ClinVar variation 3341772 (VCV003341772.16).

ClinVar aggregate classification (germline): Likely benign (1 of 4 stars; one submission).

Submission:

CeGaT Center for Human Genetics Tuebingen
Classification: Likely benign. Last evaluated: 2024-08-01. Review status: criteria provided, single submitter. Criteria: CeGaT Center For Human Genetics Tuebingen Variant Classification Criteria Version 2. Collection method: clinical testing. Allele origin: germline. Affected: yes. Observed: 1 variant allele.
Comment: CHRNG: BP4, BP7